The following is an entry in ClinVar:

ClinVar aggregate classification (germline): Uncertain significance (1 of 4 stars; one submission).

Conditions:
Rubinstein-Taybi syndrome due to CREBBP mutations (RSTS1). Also called: BROAD THUMB-HALLUX SYNDROME; RUBINSTEIN SYNDROME; RUBINSTEIN-TAYBI SYNDROME 1, INCOMPLETE; Rubinstein-Taybi syndrome 1; BROAD THUMBS AND GREAT TOES, CHARACTERISTIC FACIES, AND IMPAIRED INTELLECTUAL DEVELOPMENT; CREBBP-Related Rubinstein-Taybi Syndrome. Identifiers: Orphanet 353277, Orphanet 783, MedGen C4551859, MONDO:0008393, OMIM 180849.

Submission:

Dasa
Classification: Uncertain significance for Rubinstein-Taybi syndrome due to CREBBP mutations. Last evaluated: 2024-11-08. Review status: criteria provided, single submitter. Criteria: DASA Assertion Criteria. Collection method: clinical testing. Allele origin: germline.
Comment: NM_004380.3(CREBBP):c.6535A>G (p.Asn2179Asp) is a missense variant that results in the substitution of asparagine with aspartic acid. This variant is absent from population databases. Computational prediction algorithms are consistent with a benign effect. The currently available literature and clinical evidence are not sufficient to establish a definitive association between this variant and the reported condition. Therefore, this variant is classified as a variant of uncertain significance.

NM_004380.3(CREBBP):c.6535A>G (p.Asn2179Asp)

Gene: CREBBP (CREB binding lysine acetyltransferase; minus strand). Cytogenetic location: 16p13.3.
Variant type: single nucleotide variant.
Coding change: c.6535A>G on transcript NM_004380.3 (MANE Select); coding-DNA position 6535, A replaced by G.
Protein change: p.Asn2179Asp; replaces asparagine 2179 with aspartic acid.
Molecular consequence: missense variant.
Genome position (GRCh38, 1-based): chr16:3,728,512, T>C on the plus strand (A>G on the coding strand, the complement: CREBBP is on the minus strand). VCF-style: chr16-3728512-T-C. GRCh37 (hg19) VCF-style: chr16-3778513-T-C.
Other names: c.6421A>G, p.Asn2141Asp (NM_001079846.1); short protein forms N2141D, N2179D.
Identifiers: ClinVar variation 4883237 (VCV004883237.2).
Genomic context (GRCh38, chr16:3,728,512, plus strand): 5'-GCAGCAGCTGCCTCCGTAACATTTCTCGGTACTGTGGATTCATACTCGCCATGTTGGGGT[T>C]GTGTCCTGGGTTCATGATGTTCAAGGCCTGGCCCTGGGGGTTCAGGCCTCCCATCGCCTG-3'
Protein context (NP_004371.2, residues 2169-2189): QALNIMNPGH[Asn2179Asp]PNMASMNPQY